The following is an entry in ClinVar:

NM_001378454.1(ALMS1):c.5806G>A (p.Val1936Ile)

Gene: ALMS1 (ALMS1 centrosome and basal body associated protein; plus strand). Cytogenetic location: 2p13.1.
Variant type: single nucleotide variant.
Coding change: c.5806G>A on transcript NM_001378454.1 (MANE Select); coding-DNA position 5806, G replaced by A.
Protein change: p.Val1936Ile; replaces valine 1936 with isoleucine.
Molecular consequence: missense variant.
Genome position (GRCh38, 1-based): chr2:73,452,333, G>A. VCF-style: chr2-73452333-G-A. GRCh37 (hg19) VCF-style: chr2-73679460-G-A.
Other names: c.5809G>A, p.Val1937Ile (NM_015120.4); short protein forms V1936I, V1937I.
Identifiers: ClinVar variation 1971673 (VCV001971673.3), dbSNP rs758506529, ClinGen allele CA1713942.

ClinVar aggregate classification (germline): Uncertain significance. Review status: criteria provided, multiple submitters, no conflicts (2 of 4 stars). 2 submissions from 2 submitters: Uncertain significance (2). Last evaluated 2022-08-16.

Conditions:
Alstrom syndrome (ALMS). Identifiers: Orphanet 64, MedGen C0268425, MONDO:0008763, OMIM 203800.

Allele frequency attached by ClinVar (database versions not stated): ExAC 0.00001; gnomAD exomes 0.00001.
gnomAD v4.1: 13 of 1,614,038 alleles (0.00081%); highest among the groups gnomAD compares: South Asian, 0.014%; 1 homozygote.

Submissions (2):

Labcorp Genetics (formerly Invitae), Labcorp
Classification: Uncertain significance for Alstrom syndrome. Last evaluated: 2022-08-16. Review status: criteria provided, single submitter. Criteria: Invitae Variant Classification Sherloc (09022015). Collection method: clinical testing. Allele origin: germline.
Comment: This sequence change replaces valine, which is neutral and non-polar, with isoleucine, which is neutral and non-polar, at codon 1937 of the ALMS1 protein (p.Val1937Ile). This variant is present in population databases (rs758506529, gnomAD 0.006%). This variant has not been reported in the literature in individuals affected with ALMS1-related conditions. Experimental studies and prediction algorithms are not available or were not evaluated, and the functional significance of this variant is currently unknown. In summary, the available evidence is currently insufficient to determine the role of this variant in disease. Therefore, it has been classified as a Variant of Uncertain Significance.

Breakthrough Genomics
Classification: Uncertain significance. Review status: criteria provided, single submitter. Criteria: ACMG Guidelines, 2015. Collection method: not provided. Allele origin: germline. Inheritance: Autosomal recessive inheritance. Affected: yes.